The following is an entry in ClinVar:

NM_001876.4(CPT1A):c.740C>T (p.Pro247Leu)

Gene: CPT1A (carnitine palmitoyltransferase 1A; minus strand). Cytogenetic location: 11q13.3.
Variant type: single nucleotide variant.
Coding change: c.740C>T on transcript NM_001876.4 (MANE Select); coding-DNA position 740, C replaced by T.
Protein change: p.Pro247Leu; replaces proline 247 with leucine.
Molecular consequence: missense variant.
Genome position (GRCh38, 1-based): chr11:68,796,887, G>A on the plus strand (C>T on the coding strand, the complement: CPT1A is on the minus strand). VCF-style: chr11-68796887-G-A. GRCh37 (hg19) VCF-style: chr11-68564355-G-A.
Other names: c.740C>T, p.Pro247Leu (NM_001031847.3); short protein forms P247L.
Identifiers: ClinVar variation 2780220 (VCV002780220.5), dbSNP rs763570668, ClinGen allele CA6152550.

ClinVar aggregate classification (germline): Pathogenic/Likely pathogenic. Review status: criteria provided, multiple submitters, no conflicts (2 of 4 stars). 3 submissions from 3 submitters: Pathogenic (1); Likely pathogenic (2). Last evaluated 2025-05-21.

Conditions:
Carnitine palmitoyl transferase 1A deficiency. Also called: Carnitine palmitoyltransferase 1A deficiency; CPT I DEFICIENCY; CPT DEFICIENCY, HEPATIC, TYPE I; CPT deficiency, hepatic, type IA; Carnitine palmitoyltransferase type I deficiency. Identifiers: Orphanet 156, MedGen C1829703, MONDO:0009705, OMIM 255120.

Allele frequency attached by ClinVar (database versions not stated): gnomAD exomes below 0.00001; ExAC 0.00001; gnomAD 0.00001.
gnomAD v4.1: 8 of 1,613,962 alleles (0.0005%); highest among the groups gnomAD compares: East Asian, 0.0045%; no homozygotes.

Submissions (3):

Myriad Genetics, Inc.
Classification: Likely pathogenic for Carnitine palmitoyl transferase 1A deficiency. Last evaluated: 2025-05-21. Review status: criteria provided, single submitter. Criteria: Myriad Autosomal Dominant, Autosomal Recessive and X-Linked Classification Criteria (2023). Collection method: clinical testing. Allele origin: unknown.
Comment: NM_001876.3(CPT1A):c.740C>T(P247L) is a missense variant classified as likely pathogenic in the context of carnitine palmitoyltransferase IA deficiency. P247L has been observed in cases with relevant disease (PMID: 33845545, 38090675, 35360862, Yue 2023). Relevant functional assessments of this variant are not available in the literature. P247L has been observed in referenced population frequency databases. In summary, NM_001876.3(CPT1A):c.740C>T(P247L) is a missense variant that has been observed more frequently in cases with the relevant disease than in healthy populations. Please note: this variant was assessed in the context of healthy population screening.

Fulgent Genetics
Classification: Likely pathogenic for Carnitine palmitoyl transferase 1A deficiency. Last evaluated: 2024-04-11. Review status: criteria provided, single submitter. Criteria: ACMG Guidelines, 2015. Collection method: clinical testing. Allele origin: germline.

Labcorp Genetics (formerly Invitae), Labcorp
Classification: Pathogenic for Carnitine palmitoyl transferase 1A deficiency. Last evaluated: 2024-01-09. Review status: criteria provided, single submitter. Criteria: Invitae Variant Classification Sherloc (09022015). Collection method: clinical testing. Allele origin: germline.
Comment: This sequence change replaces proline, which is neutral and non-polar, with leucine, which is neutral and non-polar, at codon 247 of the CPT1A protein (p.Pro247Leu). This variant is present in population databases (rs763570668, gnomAD 0.01%). This missense change has been observed in individual(s) with carnitine palmitoyltransferase 1A deficiency (PMID: 33845545, 35360862). In at least one individual the data is consistent with being in trans (on the opposite chromosome) from a pathogenic variant. Advanced modeling of protein sequence and biophysical properties (such as structural, functional, and spatial information, amino acid conservation, physicochemical variation, residue mobility, and thermodynamic stability) performed at Invitae indicates that this missense variant is expected to disrupt CPT1A protein function with a positive predictive value of 95%. For these reasons, this variant has been classified as Pathogenic.

Literature cited by the submitters: PubMed 33845545 (cited by Labcorp Genetics (formerly Invitae), Labcorp); PubMed 35360862 (cited by Labcorp Genetics (formerly Invitae), Labcorp).